The following is an entry in ClinVar:

NM_014714.4(IFT140):c.2423C>T (p.Ala808Val)

Gene: IFT140 (intraflagellar transport 140; minus strand). Cytogenetic location: 16p13.3.
Variant type: single nucleotide variant.
Coding change: c.2423C>T on transcript NM_014714.4 (MANE Select); coding-DNA position 2423, C replaced by T.
Protein change: p.Ala808Val; replaces alanine 808 with valine.
Molecular consequence: missense variant.
Genome position (GRCh38, 1-based): chr16:1,526,773, G>A on the plus strand (C>T on the coding strand, the complement: IFT140 is on the minus strand). VCF-style: chr16-1526773-G-A. GRCh37 (hg19) VCF-style: chr16-1576774-G-A.
Other names: short protein forms A808V.
Identifiers: ClinVar variation 318058 (VCV000318058.12), dbSNP rs748463111, ClinGen allele CA7813632.

ClinVar aggregate classification (germline): Uncertain significance. Review status: criteria provided, multiple submitters, no conflicts (2 of 4 stars). 5 submissions from 5 submitters: Uncertain significance (5). Last evaluated 2026-09-09.

Conditions:
Inborn genetic diseases. Identifiers: MedGen C0950123, MeSH D030342.
Saldino-Mainzer syndrome (SRTD9). Also called: CONORENAL SYNDROME; Renal dysplasia, retinal pigmentary dystrophy, cerebellar ataxia and skeletal dysplasia; short-rib thoracic dysplasia 9 with or without polydactyly; SHORT-RIB THORACIC DYSPLASIA 9 WITHOUT POLYDACTYLY. Identifiers: Orphanet 140969, MedGen C1849437, MONDO:0009964, OMIM 266920.
Retinitis pigmentosa 80 (RP80). Identifiers: MedGen C4540439, MONDO:0054708, OMIM 617781.

Allele frequency attached by ClinVar (database versions not stated): ExAC 0.00001; gnomAD 0.00002; TOPMed 0.00003; gnomAD exomes 0.00002.
gnomAD v4.1: 32 of 1,609,976 alleles (0.002%); highest among the groups gnomAD compares: Admixed American, 0.005%; no homozygotes.

Submissions (5):

Ambry Genetics
Classification: Uncertain significance for Inborn genetic diseases. Last evaluated: 2026-09-09. Review status: criteria provided, single submitter. Criteria: Ambry Variant Classification Scheme 2023. Collection method: clinical testing. Allele origin: germline.
Comment: The c.2423C>T (p.A808V) alteration is located in exon 20 (coding exon 18) of the IFT140 gene. This alteration results from a C to T substitution at nucleotide position 2423, causing the alanine (A) at amino acid position 808 to be replaced by a valine (V). Based on data from gnomAD, the T allele has an overall frequency of 0.002% (5/272654) total alleles studied. The highest observed frequency was 0.003% (4/123500) of European (non-Finnish) alleles. Based on insufficient or conflicting evidence, the clinical significance of this alteration remains unclear.

Blueprint Genetics
Classification: Uncertain significance. Last evaluated: 2024-11-25. Review status: criteria provided, single submitter. Criteria: ACMG Guidelines, 2015. Collection method: clinical testing. Allele origin: germline.

Fulgent Genetics
Classification: Uncertain significance for Saldino-Mainzer syndrome; Retinitis pigmentosa 80. Last evaluated: 2024-06-04. Review status: criteria provided, single submitter. Criteria: ACMG Guidelines, 2015. Collection method: clinical testing. Allele origin: germline.

Labcorp Genetics (formerly Invitae), Labcorp
Classification: Uncertain significance for Saldino-Mainzer syndrome. Last evaluated: 2022-09-13. Review status: criteria provided, single submitter. Criteria: Invitae Variant Classification Sherloc (09022015). Collection method: clinical testing. Allele origin: germline.
Comment: This sequence change replaces alanine, which is neutral and non-polar, with valine, which is neutral and non-polar, at codon 808 of the IFT140 protein (p.Ala808Val). The frequency data for this variant in the population databases is considered unreliable, as metrics indicate poor data quality at this position in the gnomAD database. This variant has not been reported in the literature in individuals affected with IFT140-related conditions. ClinVar contains an entry for this variant (Variation ID: 318058). Advanced modeling of protein sequence and biophysical properties (such as structural, functional, and spatial information, amino acid conservation, physicochemical variation, residue mobility, and thermodynamic stability) has been performed at Invitae for this missense variant, however the output from this modeling did not meet the statistical confidence thresholds required to predict the impact of this variant on IFT140 protein function. Algorithms developed to predict the effect of sequence changes on RNA splicing suggest that this variant may create or strengthen a splice site. In summary, the available evidence is currently insufficient to determine the role of this variant in disease. Therefore, it has been classified as a Variant of Uncertain Significance.

Illumina Laboratory Services, Illumina
Classification: Uncertain significance for Saldino-Mainzer syndrome. Last evaluated: 2018-01-13. Review status: criteria provided, single submitter. Criteria: ICSL Variant Classification Criteria 13 December 2019. Collection method: clinical testing. Allele origin: germline.